The following is an entry in ClinVar:

NM_006364.4(SEC23A):c.2104A>G (p.Met702Val)

Gene: SEC23A (SEC23 homolog A, COPII component; minus strand). Cytogenetic location: 14q21.1.
Variant type: single nucleotide variant.
Coding change: c.2104A>G on transcript NM_006364.4 (MANE Select); coding-DNA position 2104, A replaced by G.
Protein change: p.Met702Val; replaces methionine 702 with valine.
Molecular consequence: missense variant.
Genome position (GRCh38, 1-based): chr14:39,040,770, T>C on the plus strand (A>G on the coding strand, the complement: SEC23A is on the minus strand). VCF-style: chr14-39040770-T-C. GRCh37 (hg19) VCF-style: chr14-39509974-T-C.
Other names: short protein forms M702V.
Identifiers: ClinVar variation 39521 (VCV000039521.7), dbSNP rs138568622, ClinGen allele CA130356.

ClinVar aggregate classification (germline): Conflicting classifications of pathogenicity. Review status: criteria provided, conflicting classifications (1 of 4 stars). 3 submissions from 3 submitters: Pathogenic (1); Uncertain significance (1). 1 of the submissions does not count toward it. Last evaluated 2025-10-01.

Conditions:
Craniolenticulosutural dysplasia (CLSD). Also called: BOYADJIEV-JABS SYNDROME. Identifiers: Orphanet 50814, MedGen C1843042, MONDO:0011911, OMIM 607812.

Allele frequency attached by ClinVar (database versions not stated): 1000 Genomes Project 30x 0.00016; 1000 Genomes Project 0.00020; ESP Exome Variant Server 0.00031; gnomAD exomes 0.00032 and 0.00049; TOPMed 0.00040; gnomAD 0.00033 and 0.00034; ExAC 0.00028.
gnomAD v4.1: 760 of 1,614,212 alleles (0.047%); highest among the groups gnomAD compares: Middle Eastern, 0.082%; no homozygotes.

Submissions (3):

Labcorp Genetics (formerly Invitae), Labcorp
Classification: Uncertain significance for Craniolenticulosutural dysplasia. Last evaluated: 2025-10-01. Review status: criteria provided, single submitter. Criteria: Invitae Variant Classification Sherloc (09022015). Collection method: clinical testing. Allele origin: germline.
Comment: This sequence change replaces methionine, which is neutral and non-polar, with valine, which is neutral and non-polar, at codon 702 of the SEC23A protein (p.Met702Val). This variant is present in population databases (rs138568622, gnomAD 0.06%), and has an allele count higher than expected for a pathogenic variant. This missense change has been observed in individual(s) with Craniolenticulosutural dysplasia (PMID: 21039434, 37828500). ClinVar contains an entry for this variant (Variation ID: 39521). Invitae Evidence Modeling of protein sequence and biophysical properties (such as structural, functional, and spatial information, amino acid conservation, physicochemical variation, residue mobility, and thermodynamic stability) indicates that this missense variant is not expected to disrupt SEC23A protein function with a negative predictive value of 80%. Experimental studies have shown that this missense change affects SEC23A function (PMID: 22298774). In summary, the available evidence is currently insufficient to determine the role of this variant in disease. Therefore, it has been classified as a Variant of Uncertain Significance.

Genetics and Genomic Medicine Centre, NeuroGen Healthcare, NeuroGen Healthcare
Classification: Pathogenic for Craniolenticulosutural dysplasia. Last evaluated: 2024-05-20. Review status: criteria provided, single submitter. Criteria: ACMG Guidelines, 2015. Collection method: clinical testing. Allele origin: unknown. Affected: yes.

OMIM
Classification: Pathogenic for CRANIOLENTICULOSUTURAL DYSPLASIA. Last evaluated: 2011-08-01. Review status: no assertion criteria provided. Collection method: literature only. Allele origin: germline. Not counted in ClinVar's aggregate classification.

Literature cited by the submitters: PubMed 21039434 (cited by Labcorp Genetics (formerly Invitae), Labcorp and OMIM); PubMed 37828500 (cited by Labcorp Genetics (formerly Invitae), Labcorp); PubMed 22298774 (cited by Labcorp Genetics (formerly Invitae), Labcorp).